The following is an entry in ClinVar:

NM_130849.4(SLC39A4):c.66G>A (p.Ala22=)

Gene: SLC39A4 (solute carrier family 39 member 4; minus strand). Cytogenetic location: 8q24.3.
Variant type: single nucleotide variant.
Coding change: c.66G>A on transcript NM_130849.4 (MANE Select); coding-DNA position 66, G replaced by A.
Protein change: p.Ala22=; no amino-acid change (alanine 22 retained).
Molecular consequence: synonymous variant.
Genome position (GRCh38, 1-based): chr8:144,416,724, C>T on the plus strand (G>A on the coding strand, the complement: SLC39A4 is on the minus strand). VCF-style: chr8-144416724-C-T. GRCh37 (hg19) VCF-style: chr8-145642108-C-T.
Other names: c.66G>A, p.Ala22= (NM_001374839.1).
Identifiers: ClinVar variation 776397 (VCV000776397.36), dbSNP rs142910470, ClinGen allele CA4941872.

ClinVar aggregate classification (germline): Benign/Likely benign. Review status: criteria provided, multiple submitters, no conflicts (2 of 4 stars). 5 submissions from 5 submitters: Benign (1); Likely benign (2). 2 of the submissions do not count toward it. Last evaluated 2026-01-31.

Conditions:
SLC39A4-related disorder. Also called: SLC39A4-related condition.
Hereditary acrodermatitis enteropathica (AEZ). Also called: Acrodermatitis enteropathica. Identifiers: Orphanet 37, MedGen C0221036, MONDO:0008713, OMIM 201100.

Allele frequency attached by ClinVar (database versions not stated): gnomAD exomes 0.00012 and 0.00028; ExAC 0.00030; ESP Exome Variant Server 0.00077; TOPMed 0.00112; gnomAD 0.00116; 1000 Genomes Project 0.00200; 1000 Genomes Project 30x 0.00219.

Submissions (5):

Labcorp Genetics (formerly Invitae), Labcorp
Classification: Benign. Last evaluated: 2026-01-31. Review status: criteria provided, single submitter. Criteria: Invitae Variant Classification Sherloc (09022015). Collection method: clinical testing. Allele origin: germline.

Blueprint Genetics
Classification: Likely benign. Last evaluated: 2024-11-18. Review status: criteria provided, single submitter. Criteria: ACMG Guidelines, 2015. Collection method: clinical testing. Allele origin: germline.

CeGaT Center for Human Genetics Tuebingen
Classification: Likely benign. Last evaluated: 2022-09-01. Review status: criteria provided, single submitter. Criteria: CeGaT Center For Human Genetics Tuebingen Variant Classification Criteria Version 2. Collection method: clinical testing. Allele origin: germline. Affected: yes. Observed: 1 variant allele.
Comment: SLC39A4: BP4, BP7

PreventionGenetics, part of Exact Sciences
Classification: Likely benign for SLC39A4-related condition. Last evaluated: 2022-03-11. Review status: no assertion criteria provided. Collection method: clinical testing. Allele origin: germline. Not counted in ClinVar's aggregate classification.
Comment: This variant is classified as likely benign based on ACMG/AMP sequence variant interpretation guidelines (Richards et al. 2015 PMID: 25741868, with internal and published modifications).

Natera, Inc.
Classification: Likely benign for Acrodermatitis enteropathica. Last evaluated: 2019-10-24. Review status: no assertion criteria provided. Collection method: clinical testing. Allele origin: germline. Not counted in ClinVar's aggregate classification.